The following is an entry in ClinVar:

ClinVar aggregate classification (germline): Uncertain significance (1 of 4 stars; one submission).

Submission:

Labcorp Genetics (formerly Invitae), Labcorp
Classification: Uncertain significance. Last evaluated: 2024-09-30. Review status: criteria provided, single submitter. Criteria: Invitae Variant Classification Sherloc (09022015). Collection method: clinical testing. Allele origin: germline.
Comment: This sequence change replaces arginine, which is basic and polar, with lysine, which is basic and polar, at codon 317 of the SLC25A12 protein (p.Arg317Lys). This variant is not present in population databases (gnomAD no frequency). This variant has not been reported in the literature in individuals affected with SLC25A12-related conditions. ClinVar contains an entry for this variant (Variation ID: 1713671). Invitae Evidence Modeling of protein sequence and biophysical properties (such as structural, functional, and spatial information, amino acid conservation, physicochemical variation, residue mobility, and thermodynamic stability) indicates that this missense variant is not expected to disrupt SLC25A12 protein function with a negative predictive value of 80%. In summary, the available evidence is currently insufficient to determine the role of this variant in disease. Therefore, it has been classified as a Variant of Uncertain Significance.

NM_003705.5(SLC25A12):c.950G>A (p.Arg317Lys)

Gene: SLC25A12 (solute carrier family 25 member 12; minus strand). Cytogenetic location: 2q31.1.
Variant type: single nucleotide variant.
Coding change: c.950G>A on transcript NM_003705.5 (MANE Select); coding-DNA position 950, G replaced by A.
Protein change: p.Arg317Lys; replaces arginine 317 with lysine.
Molecular consequence: missense variant. On other transcripts: non-coding transcript variant (1).
Genome position (GRCh38, 1-based): chr2:171,815,183, C>T on the plus strand (G>A on the coding strand, the complement: SLC25A12 is on the minus strand). VCF-style: chr2-171815183-C-T. GRCh37 (hg19) VCF-style: chr2-172671693-C-T.
Other names: short protein forms R317K.
Identifiers: ClinVar variation 1713671 (VCV001713671.5), dbSNP rs1558916757, ClinGen allele CA349290555.